The following is an entry in ClinVar:

ClinVar aggregate classification (germline): Uncertain significance (1 of 4 stars; one submission).

Submission:

Dasa
Classification: Uncertain significance. Last evaluated: 2026-03-18. Review status: criteria provided, single submitter. Criteria: DASA Assertion Criteria. Collection method: clinical testing. Allele origin: germline.
Comment: NM_004586.3(RPS6KA3):c.1790C>T (p.Ala597Val) is a missense variant that results in the substitution of alanine with valine. This variant is rare in population databases. The currently available literature and clinical evidence are not sufficient to establish a definitive association between this variant and the reported condition. Therefore, this variant is classified as a variant of uncertain significance.

NM_004586.3(RPS6KA3):c.1790C>T (p.Ala597Val)

Gene: RPS6KA3 (ribosomal protein S6 kinase A3; minus strand). Cytogenetic location: Xp22.12.
Variant type: single nucleotide variant.
Coding change: c.1790C>T on transcript NM_004586.3 (MANE Select); coding-DNA position 1790, C replaced by T.
Protein change: p.Ala597Val; replaces alanine 597 with valine.
Molecular consequence: missense variant.
Genome position (GRCh38, 1-based): chrX:20,163,015, G>A on the plus strand (C>T on the coding strand, the complement: RPS6KA3 is on the minus strand). VCF-style: chrX-20163015-G-A. GRCh37 (hg19) VCF-style: chrX-20181133-G-A.
Other names: c.1706C>T, p.Ala569Val (NM_001438340.1); short protein forms A569V, A597V.
Identifiers: ClinVar variation 4882364 (VCV004882364.2).